The following is an entry in ClinVar:

ClinVar aggregate classification (germline): Uncertain significance (1 of 4 stars; one submission).

Conditions:
Hereditary cancer-predisposing syndrome. Also called: Hereditary neoplastic syndrome; Neoplastic Syndromes, Hereditary; Tumor predisposition; Hereditary Cancer Syndrome. Identifiers: Orphanet 140162, MedGen C0027672, MeSH D009386, MONDO:0015356.

Submission:

Ambry Genetics
Classification: Uncertain significance for Hereditary cancer-predisposing syndrome. Last evaluated: 2025-08-14. Review status: criteria provided, single submitter. Criteria: Ambry Variant Classification Scheme 2023. Collection method: clinical testing. Allele origin: germline.
Comment: The p.G134R variant (also known as c.400G>A), located in coding exon 3 of the POLD1 gene, results from a G to A substitution at nucleotide position 400. The glycine at codon 134 is replaced by arginine, an amino acid with dissimilar properties. This amino acid position is highly conserved in available vertebrate species. In addition, the in silico prediction for this alteration is inconclusive. Based on the available evidence, the clinical significance of this variant remains unclear.

NM_002691.4(POLD1):c.400G>A (p.Gly134Arg)

Gene: POLD1 (DNA polymerase delta 1, catalytic subunit; plus strand). Cytogenetic location: 19q13.33.
Variant type: single nucleotide variant.
Coding change: c.400G>A on transcript NM_002691.4 (MANE Select); coding-DNA position 400, G replaced by A.
Protein change: p.Gly134Arg; replaces glycine 134 with arginine.
Molecular consequence: missense variant. On other transcripts: non-coding transcript variant (1).
Genome position (GRCh38, 1-based): chr19:50,401,861, G>A. VCF-style: chr19-50401861-G-A. GRCh37 (hg19) VCF-style: chr19-50905118-G-A.
Other names: c.400G>A, p.Gly134Arg (NM_001256849.1, NM_001308632.1, NM_001438210.1 and 3 more transcripts); short protein forms G134R.
Identifiers: ClinVar variation 4141011 (VCV004141011.1).
Genomic context (GRCh38, chr19:50,401,861, plus strand): 5'-GGGCCCCCACCATCCCGCGGCTCCGTGCCTGTGCTCCGCGCCTTCGGGGTCACCGATGAG[G>A]GGTTCTCTGTCTGCTGCCACATCCACGGCTTCGCTCCCTACTTCTACACCCCAGCGCCCC-3'
Protein context (NP_002682.2, residues 124-144): VLRAFGVTDE[Gly134Arg]FSVCCHIHGF